The following is an entry in ClinVar:

ClinVar aggregate classification (germline): Likely pathogenic (1 of 4 stars; one submission).

Conditions:
Andersen Tawil syndrome (LQT7). Also called: ANDERSEN CARDIODYSRHYTHMIC PERIODIC PARALYSIS; LONG QT SYNDROME 7; PERIODIC PARALYSIS, POTASSIUM-SENSITIVE CARDIODYSRHYTHMIC TYPE; Andersen Syndrome; Potassium-sensitive periodic paralysis, ventricular ectopy, and dysmorphic features. Identifiers: Orphanet 37553, MedGen C1563715, MONDO:0008222, OMIM 170390.
Short QT syndrome type 3. Identifiers: Orphanet 51083, MedGen C1865018, MONDO:0012314, OMIM 609622.

Submission:

Labcorp Genetics (formerly Invitae), Labcorp
Classification: Likely pathogenic for Short QT syndrome type 3; Andersen Tawil syndrome. Last evaluated: 2025-07-01. Review status: criteria provided, single submitter. Criteria: Invitae Variant Classification Sherloc (09022015). Collection method: clinical testing. Allele origin: germline.
Comment: This sequence change replaces asparagine, which is neutral and polar, with serine, which is neutral and polar, at codon 216 of the KCNJ2 protein (p.Asn216Ser). This variant is not present in population databases (gnomAD no frequency). This variant has not been reported in the literature in individuals affected with KCNJ2-related conditions. Invitae Evidence Modeling of protein sequence and biophysical properties (such as structural, functional, and spatial information, amino acid conservation, physicochemical variation, residue mobility, and thermodynamic stability) indicates that this missense variant is expected to disrupt KCNJ2 protein function with a positive predictive value of 95%. This variant disrupts the p.Asn216 amino acid residue in KCNJ2. Other variant(s) that disrupt this residue have been determined to be pathogenic (internal data). This suggests that this residue is clinically significant, and that variants that disrupt this residue are likely to be disease-causing. In summary, the currently available evidence indicates that the variant is pathogenic, but additional data are needed to prove that conclusively. Therefore, this variant has been classified as Likely Pathogenic.

NM_000891.3(KCNJ2):c.647A>G (p.Asn216Ser)

Gene: KCNJ2 (potassium inwardly rectifying channel subfamily J member 2; plus strand). Cytogenetic location: 17q24.3.
Variant type: single nucleotide variant.
Coding change: c.647A>G on transcript NM_000891.3 (MANE Select); coding-DNA position 647, A replaced by G.
Protein change: p.Asn216Ser; replaces asparagine 216 with serine.
Molecular consequence: missense variant.
Genome position (GRCh38, 1-based): chr17:70,175,686, A>G. VCF-style: chr17-70175686-A-G. GRCh37 (hg19) VCF-style: chr17-68171827-A-G.
Other names: short protein forms N216S.
Identifiers: ClinVar variation 4788797 (VCV004788797.1).
Genomic context (GRCh38, chr17:70,175,686, plus strand): 5'-GTCACAATGCCGTGATTGCCATGAGAGACGGCAAGCTGTGTTTGATGTGGCGAGTGGGCA[A>G]TCTTCGGAAAAGCCACTTGGTGGAAGCTCATGTTCGAGCACAGCTCCTCAAATCCAGAAT-3'
Protein context (NP_000882.1, residues 206-226): GKLCLMWRVG[Asn216Ser]LRKSHLVEAH